The following is an entry in ClinVar:

ClinVar aggregate classification (germline): Uncertain significance (1 of 4 stars; one submission).

Conditions:
Primary ciliary dyskinesia. Also called: Ciliary dyskinesia. Identifiers: Orphanet 244, MedGen C0008780, MONDO:0016575, HP:0012265.

Allele frequency attached by ClinVar (database versions not stated): TOPMed below 0.00001; gnomAD 0.00001; ExAC 0.00003.
gnomAD v4.1: 20 of 1,613,942 alleles (0.0012%); highest among the groups gnomAD compares: East Asian, 0.0067%; no homozygotes.

Submission:

Labcorp Genetics (formerly Invitae), Labcorp
Classification: Uncertain significance for Primary ciliary dyskinesia. Last evaluated: 2022-05-21. Review status: criteria provided, single submitter. Criteria: Invitae Variant Classification Sherloc (09022015). Collection method: clinical testing. Allele origin: germline.
Comment: This sequence change replaces alanine, which is neutral and non-polar, with threonine, which is neutral and polar, at codon 1647 of the DNAH8 protein (p.Ala1647Thr). This variant is present in population databases (rs754359838, gnomAD 0.01%). This variant has not been reported in the literature in individuals affected with DNAH8-related conditions. Algorithms developed to predict the effect of missense changes on protein structure and function output the following: SIFT: "Tolerated"; PolyPhen-2: "Not Available"; Align-GVGD: "Class C0". The threonine amino acid residue is found in multiple mammalian species, which suggests that this missense change does not adversely affect protein function. In summary, the available evidence is currently insufficient to determine the role of this variant in disease. Therefore, it has been classified as a Variant of Uncertain Significance.

NM_001206927.2(DNAH8):c.4939G>A (p.Ala1647Thr)

Gene: DNAH8 (dynein axonemal heavy chain 8; plus strand). Cytogenetic location: 6p21.2.
Variant type: single nucleotide variant.
Coding change: c.4939G>A on transcript NM_001206927.2 (MANE Select); coding-DNA position 4939, G replaced by A.
Protein change: p.Ala1647Thr; replaces alanine 1647 with threonine.
Molecular consequence: missense variant.
Genome position (GRCh38, 1-based): chr6:38,845,667, G>A. VCF-style: chr6-38845667-G-A. GRCh37 (hg19) VCF-style: chr6-38813443-G-A.
Other names: c.4288G>A, p.Ala1430Thr (NM_001371.4); short protein forms A1430T, A1647T.
Identifiers: ClinVar variation 2419726 (VCV002419726.14), dbSNP rs754359838, ClinGen allele CA3789241.